The following is an entry in ClinVar:

NM_000503.6(EYA1):c.*1310G>A

Gene: EYA1 (EYA transcriptional coactivator and phosphatase 1; minus strand). Cytogenetic location: 8q13.3.
Variant type: single nucleotide variant.
Coding change: c.*1310G>A on transcript NM_000503.6 (MANE Select); 1310 bases downstream of the stop codon, G replaced by A.
Molecular consequence: 3 prime UTR variant.
Genome position (GRCh38, 1-based): chr8:71,198,030, C>T on the plus strand (G>A on the coding strand, the complement: EYA1 is on the minus strand). VCF-style: chr8-71198030-C-T. GRCh37 (hg19) VCF-style: chr8-72110265-C-T.
Other names: c.*1310G>A (NM_001288574.2, NM_001288575.2, NM_001370333.1 and 5 more transcripts).
Identifiers: ClinVar variation 363628 (VCV000363628.5), dbSNP rs147323889, ClinGen allele CA10625753.

ClinVar aggregate classification (germline): Benign. Review status: criteria provided, single submitter (1 of 4 stars). 2 submissions from 1 submitter: Benign (2). Last evaluated 2018-01-13.

Conditions:
Branchiootic syndrome 1 (BOS1). Also called: BO SYNDROME 1; BRANCHIOOTIC DYSPLASIA. Identifiers: MedGen C1865143, MONDO:0011258, OMIM 602588.
Otofaciocervical syndrome 1 (OTFCS). Identifiers: MedGen C3714941, MONDO:0024532, OMIM 166780.

Allele frequency attached by ClinVar (database versions not stated): 1000 Genomes Project 30x 0.01015; 1000 Genomes Project 0.01018; TOPMed 0.01985.

Submissions (2):

Illumina Laboratory Services, Illumina
Classification: Benign for Otofaciocervical syndrome 1. Last evaluated: 2018-01-13. Review status: criteria provided, single submitter. Criteria: ICSL Variant Classification Criteria 13 December 2019. Collection method: clinical testing. Allele origin: germline.
Comment: This variant was observed in the ICSL laboratory as part of a predisposition screen in an ostensibly healthy population. It had not been previously curated by ICSL or reported in the Human Gene Mutation Database (HGMD: prior to June 1st, 2018), and was therefore a candidate for classification through an automated scoring system. Utilizing variant allele frequency, disease prevalence and penetrance estimates, and inheritance mode, an automated score was calculated to assess if this variant is too frequent to cause the disease. Based on the score and internal cut-off values, a variant classified as benign is not then subjected to further curation. The score for this variant resulted in a classification of benign for this disease.

Illumina Laboratory Services, Illumina
Classification: Benign for Branchiootic syndrome. Last evaluated: 2018-01-13. Review status: criteria provided, single submitter. Criteria: ICSL Variant Classification Criteria 13 December 2019. Collection method: clinical testing. Allele origin: germline.
Comment: the same text as in the submission from Illumina Laboratory Services, Illumina above.